The following is an entry in ClinVar:

ClinVar aggregate classification (germline): Likely benign (1 of 4 stars; one submission).

gnomAD v4.1: 60 of 1,002,832 alleles (0.006%); highest among the groups gnomAD compares: Admixed American, 0.011%; no homozygotes.

Submission:

Molecular Diagnostic Laboratory for Inherited Cardiovascular Disease, Montreal Heart Institute
Classification: Likely benign. Last evaluated: 2026-03-27. Review status: criteria provided, single submitter. Criteria: ACMG Guidelines, 2015. Collection method: clinical testing. Allele origin: germline. Affected: no.
Comment: PM2

NM_016194.4(GNB5):c.417+82C>G

Gene: GNB5 (G protein subunit beta 5; minus strand). Cytogenetic location: 15q21.2.
Variant type: single nucleotide variant.
Coding change: c.417+82C>G on transcript NM_016194.4 (MANE Select); 82 bases into the intron after coding-DNA position 417, C replaced by G.
Molecular consequence: intron variant.
Genome position (GRCh38, 1-based): chr15:52,149,802, G>C on the plus strand (C>G on the coding strand, the complement: GNB5 is on the minus strand). VCF-style: chr15-52149802-G-C. GRCh37 (hg19) VCF-style: chr15-52441999-G-C.
Other names: c.291+82C>G (NM_006578.4); c.135+82C>G (NM_001379343.1).
Identifiers: ClinVar variation 4820422 (VCV004820422.1), dbSNP rs763493534.